The following is an entry in ClinVar:

ClinVar aggregate classification (germline): Uncertain significance (1 of 4 stars; one submission).

Submission:

Labcorp Genetics (formerly Invitae), Labcorp
Classification: Uncertain significance. Last evaluated: 2022-07-15. Review status: criteria provided, single submitter. Criteria: Invitae Variant Classification Sherloc (09022015). Collection method: clinical testing. Allele origin: germline.
Comment: This sequence change replaces glycine, which is neutral and non-polar, with glutamic acid, which is acidic and polar, at codon 263 of the CAD protein (p.Gly263Glu). This variant is not present in population databases (gnomAD no frequency). This variant has not been reported in the literature in individuals affected with CAD-related conditions. Algorithms developed to predict the effect of missense changes on protein structure and function are either unavailable or do not agree on the potential impact of this missense change (SIFT: "Deleterious"; PolyPhen-2: "Probably Damaging"; Align-GVGD: "Class C0"). In summary, the available evidence is currently insufficient to determine the role of this variant in disease. Therefore, it has been classified as a Variant of Uncertain Significance.

NM_004341.5(CAD):c.788G>A (p.Gly263Glu)

Gene: CAD (carbamoyl-phosphate synthetase 2, aspartate transcarbamylase, and dihydroorotase; plus strand). Cytogenetic location: 2p23.3.
Variant type: single nucleotide variant.
Coding change: c.788G>A on transcript NM_004341.5 (MANE Select); coding-DNA position 788, G replaced by A.
Protein change: p.Gly263Glu; replaces glycine 263 with glutamic acid.
Molecular consequence: missense variant.
Genome position (GRCh38, 1-based): chr2:27,223,016, G>A. VCF-style: chr2-27223016-G-A. GRCh37 (hg19) VCF-style: chr2-27445884-G-A.
Other names: c.788G>A, p.Gly263Glu (NM_001306079.2); short protein forms G263E.
Identifiers: ClinVar variation 1714351 (VCV001714351.3), dbSNP rs2465290524, ClinGen allele CA346201134.